The following is an entry in ClinVar:

NM_024592.5(SRD5A3):c.307C>T (p.Pro103Ser)

Gene: SRD5A3 (steroid 5 alpha-reductase 3; plus strand). Cytogenetic location: 4q12.
Variant type: single nucleotide variant.
Coding change: c.307C>T on transcript NM_024592.5 (MANE Select); coding-DNA position 307, C replaced by T.
Protein change: p.Pro103Ser; replaces proline 103 with serine.
Molecular consequence: missense variant.
Genome position (GRCh38, 1-based): chr4:55,359,431, C>T. VCF-style: chr4-55359431-C-T. GRCh37 (hg19) VCF-style: chr4-56225598-C-T.
Other names: c.307C>T, p.Pro103Ser (NM_001410732.1); c.307C>T (NM_024592.4); short protein forms P103S.
Identifiers: ClinVar variation 2356101 (VCV002356101.9), dbSNP rs767876488, ClinGen allele CA2925258.
Genomic context (GRCh38, chr4:55,359,431, plus strand): 5'-TCAGTGCTGTGGAATGGCTTCCTGCTTTGGTGCCTTACTCAATCTCTGTTCCTGGGAGCA[C>T]CTTTTCCAAGCTGGCTTCATGGTTTGCTCAGAATTCTCGGGGCGGCACAGTTCCAGGGTA-3'
Protein context (NP_078868.1, residues 93-113): CLTQSLFLGA[Pro103Ser]FPSWLHGLLR

ClinVar aggregate classification (germline): Uncertain significance. Review status: criteria provided, multiple submitters, no conflicts (2 of 4 stars). 3 submissions from 3 submitters: Uncertain significance (3). Last evaluated 2022-05-30.

Conditions:
SRD5A3-congenital disorder of glycosylation. Also called: SRD5A3-CDG; Congenital disorder of glycosylation type 1Q; CDG Iq; Ocular colobomas, ichthyosis, brain malformations and endocrine abnormalities; COLOBOMA, OCULAR, WITH ICHTHYOSIS, BRAIN MALFORMATIONS, AND ENDOCRINE ABNORMALITIES. Identifiers: Orphanet 324737, MedGen C4317224, MONDO:0012885, OMIM 612379.
Isolated cerebellar hypoplasia/agenesis (CHEGDD). Also called: Cerebellar hypoplasia/atrophy, epilepsy, and global developmental delay. Identifiers: Orphanet 1398, Orphanet 2246, MedGen C5231391, MONDO:0008939, OMIM 213000.
Inborn genetic diseases. Identifiers: MedGen C0950123, MeSH D030342.

Allele frequency attached by ClinVar (database versions not stated): gnomAD 0.00001; gnomAD exomes 0.00001; ExAC 0.00002.
gnomAD v4.1: 23 of 1,613,806 alleles (0.0014%); highest among the groups gnomAD compares: South Asian, 0.024%; no homozygotes.

Submissions (3):

Ambry Genetics
Classification: Uncertain significance for Inborn genetic diseases. Last evaluated: 2022-05-30. Review status: criteria provided, single submitter. Criteria: Ambry Variant Classification Scheme 2023. Collection method: clinical testing. Allele origin: germline.

Labcorp Genetics (formerly Invitae), Labcorp
Classification: Uncertain significance for SRD5A3-congenital disorder of glycosylation. Last evaluated: 2022-02-11. Review status: criteria provided, single submitter. Criteria: Invitae Variant Classification Sherloc (09022015). Collection method: clinical testing. Allele origin: germline.
Comment: This sequence change replaces proline, which is neutral and non-polar, with serine, which is neutral and polar, at codon 103 of the SRD5A3 protein (p.Pro103Ser). In summary, the available evidence is currently insufficient to determine the role of this variant in disease. Therefore, it has been classified as a Variant of Uncertain Significance. Algorithms developed to predict the effect of missense changes on protein structure and function (SIFT, PolyPhen-2, Align-GVGD) all suggest that this variant is likely to be tolerated. This variant has not been reported in the literature in individuals affected with SRD5A3-related conditions. This variant is present in population databases (rs767876488, gnomAD 0.02%).

Cambridge Genomics Laboratory, East Genomic Laboratory Hub, NHS Genomic Medicine Service
Classification: Uncertain significance for Isolated cerebellar hypoplasia/agenesis. Last evaluated: 2019-08-21. Review status: criteria provided, single submitter. Criteria: ACGS Best Practice Guidelines for Variant Classification in Rare Disease 2020. Collection method: clinical testing. Allele origin: germline. Affected: yes. Observed: 1 variant allele.